The following is an entry in ClinVar:

NM_001365951.3(KIF1B):c.4466T>C (p.Ile1489Thr)

Gene: KIF1B (kinesin family member 1B; plus strand). Cytogenetic location: 1p36.22.
Variant type: single nucleotide variant.
Coding change: c.4466T>C on transcript NM_001365951.3 (MANE Select); coding-DNA position 4466, T replaced by C.
Protein change: p.Ile1489Thr; replaces isoleucine 1489 with threonine.
Molecular consequence: missense variant.
Genome position (GRCh38, 1-based): chr1:10,365,199, T>C. VCF-style: chr1-10365199-T-C. GRCh37 (hg19) VCF-style: chr1-10425257-T-C.
Other names: c.4466T>C, p.Ile1489Thr (NM_001365952.1); c.4328T>C, p.Ile1443Thr (NM_015074.3); short protein forms I1489T, I1443T.
Identifiers: ClinVar variation 858597 (VCV000858597.12), dbSNP rs1638533756, ClinGen allele CA338320914.

ClinVar aggregate classification (germline): Uncertain significance. Review status: criteria provided, multiple submitters, no conflicts (2 of 4 stars). 2 submissions from 2 submitters: Uncertain significance (2). Last evaluated 2025-10-22.

Conditions:
Charcot-Marie-Tooth disease type 2. Also called: Charcot-Marie-Tooth type 2. Identifiers: Orphanet 64746, MedGen C0270914, MONDO:0018993.

Submissions (2):

Ambry Genetics
Classification: Uncertain significance. Last evaluated: 2025-10-22. Review status: criteria provided, single submitter. Criteria: Ambry Variant Classification Scheme 2023. Collection method: clinical testing. Allele origin: germline.
Comment: The p.I1443T variant (also known as c.4328T>C), located in coding exon 39 of the KIF1B gene, results from a T to C substitution at nucleotide position 4328. The isoleucine at codon 1443 is replaced by threonine, an amino acid with similar properties. This amino acid position is conserved. In addition, this alteration is predicted to be deleterious by in silico analysis. Since supporting evidence is limited at this time, the clinical significance of this alteration remains unclear.

Labcorp Genetics (formerly Invitae), Labcorp
Classification: Uncertain significance for Charcot-Marie-Tooth disease type 2. Last evaluated: 2019-11-30. Review status: criteria provided, single submitter. Criteria: Invitae Variant Classification Sherloc (09022015). Collection method: clinical testing. Allele origin: germline.
Comment: In summary, the available evidence is currently insufficient to determine the role of this variant in disease. Therefore, it has been classified as a Variant of Uncertain Significance. Algorithms developed to predict the effect of missense changes on protein structure and function are either unavailable or do not agree on the potential impact of this missense change (SIFT: "Deleterious"; PolyPhen-2: "Probably Damaging"; Align-GVGD: "Class C0"). This variant has not been reported in the literature in individuals with KIF1B-related conditions. This variant is not present in population databases (ExAC no frequency). This sequence change replaces isoleucine with threonine at codon 1443 of the KIF1B protein (p.Ile1443Thr). The isoleucine residue is highly conserved and there is a moderate physicochemical difference between isoleucine and threonine.